The following is an entry in ClinVar:

ClinVar aggregate classification (germline): Uncertain significance. Review status: criteria provided, multiple submitters, no conflicts (2 of 4 stars). 2 submissions from 2 submitters: Uncertain significance (2). Last evaluated 2025-08-01.

Conditions:
Inborn genetic diseases. Identifiers: MedGen C0950123, MeSH D030342.

Allele frequency attached by ClinVar (database versions not stated): TOPMed below 0.00001; ExAC 0.00001; gnomAD 0.00003; 1000 Genomes Project 0.00020.
gnomAD v4.1: 39 of 1,612,070 alleles (0.0024%); highest among the groups gnomAD compares: South Asian, 0.0033%; no homozygotes.

Submissions (2):

Labcorp Genetics (formerly Invitae), Labcorp
Classification: Uncertain significance. Last evaluated: 2025-08-01. Review status: criteria provided, single submitter. Criteria: Invitae Variant Classification Sherloc (09022015). Collection method: clinical testing. Allele origin: germline.
Comment: This sequence change replaces serine, which is neutral and polar, with leucine, which is neutral and non-polar, at codon 1149 of the TUBGCP6 protein (p.Ser1149Leu). This variant is present in population databases (rs533087823, gnomAD 0.004%). This variant has not been reported in the literature in individuals affected with TUBGCP6-related conditions. ClinVar contains an entry for this variant (Variation ID: 1470467). Experimental studies and prediction algorithms are not available or were not evaluated, and the functional significance of this variant is currently unknown. In summary, the available evidence is currently insufficient to determine the role of this variant in disease. Therefore, it has been classified as a Variant of Uncertain Significance.

Ambry Genetics
Classification: Uncertain significance for Inborn genetic diseases. Last evaluated: 2024-10-09. Review status: criteria provided, single submitter. Criteria: Ambry Variant Classification Scheme 2023. Collection method: clinical testing. Allele origin: germline.

NM_020461.4(TUBGCP6):c.3446C>T (p.Ser1149Leu)

Gene: TUBGCP6 (tubulin gamma complex component 6; minus strand). Cytogenetic location: 22q13.33.
Variant type: single nucleotide variant.
Coding change: c.3446C>T on transcript NM_020461.4 (MANE Select); coding-DNA position 3446, C replaced by T.
Protein change: p.Ser1149Leu; replaces serine 1149 with leucine.
Molecular consequence: missense variant.
Genome position (GRCh38, 1-based): chr22:50,220,913, G>A on the plus strand (C>T on the coding strand, the complement: TUBGCP6 is on the minus strand). VCF-style: chr22-50220913-G-A. GRCh37 (hg19) VCF-style: chr22-50659342-G-A.
Other names: c.3446C>T (NM_020461.3); short protein forms S1149L.
Identifiers: ClinVar variation 1470467 (VCV001470467.5), dbSNP rs533087823, ClinGen allele CA10307946.